The following is an entry in ClinVar:

NM_000834.5(GRIN2B):c.2429G>A (p.Ser810Asn)

Gene: GRIN2B (glutamate ionotropic receptor NMDA type subunit 2B; minus strand). Cytogenetic location: 12p13.1.
Variant type: single nucleotide variant.
Coding change: c.2429G>A on transcript NM_000834.5 (MANE Select); coding-DNA position 2429, G replaced by A.
Protein change: p.Ser810Asn; replaces serine 810 with asparagine.
Molecular consequence: missense variant.
Genome position (GRCh38, 1-based): chr12:13,567,194, C>T on the plus strand (G>A on the coding strand, the complement: GRIN2B is on the minus strand). VCF-style: chr12-13567194-C-T. GRCh37 (hg19) VCF-style: chr12-13720128-C-T.
Other names: short protein forms S810N.
Identifiers: ClinVar variation 800894 (VCV000800894.2), dbSNP rs1591609136, ClinGen allele CA383996516.

ClinVar aggregate classification (germline): Likely pathogenic. Review status: criteria provided, single submitter (1 of 4 stars). 2 submissions from 2 submitters: Likely pathogenic (1). 1 of the submissions does not count toward it. Last evaluated 2017-04-04.

Conditions:
Developmental and epileptic encephalopathy, 27 (DEE27). Also called: GRIN2B-Related Neurodevelopmental Disorder; Epileptic encephalopathy, early infantile, 27. Identifiers: Orphanet 3451, MedGen C4015316, MONDO:0014505, OMIM 616139.
Intellectual developmental disorder, autosomal dominant 6, with or without seizures. Also called: Intellectual disability, autosomal dominant 6; GRIN2B-related developmental delay, intellectual disability and autism spectrum disorder. Identifiers: Orphanet 589547, MedGen C3151411, MONDO:0013509, OMIM 613970.

Submissions (2):

Institute of Human Genetics, University of Leipzig Medical Center
Classification: Likely pathogenic for Intellectual developmental disorder, autosomal dominant 6, with or without seizures. Last evaluated: 2017-04-04. Review status: criteria provided, single submitter. Criteria: ACMG Guidelines, 2015. Collection method: clinical testing. Allele origin: de novo. Affected: yes.
Comment: This variant was identified as de novo (maternity and paternity confirmed).

Biochemical Molecular Genetic Laboratory, King Abdulaziz Medical City
Classification: Likely pathogenic for Developmental and epileptic encephalopathy, 27. Last evaluated: 2019-09-26. Review status: no assertion criteria provided. Collection method: clinical testing. Allele origin: germline. Affected: yes. Not counted in ClinVar's aggregate classification.

Literature cited by the submitters: PubMed 28377535 (cited by Institute of Human Genetics, University of Leipzig Medical Center).